The following is an entry in ClinVar:

NM_004444.5(EPHB4):c.2585A>G (p.Asn862Ser)

Genes: EPHB4 (EPH receptor B4; minus strand), LOC126860124 (CDK7 strongly-dependent group 2 enhancer GRCh37_chr7:100403701-100404900; plus strand). Cytogenetic location: 7q22.1.
Variant type: single nucleotide variant.
Coding change: c.2585A>G on transcript NM_004444.5 (MANE Select); coding-DNA position 2585, A replaced by G.
Protein change: p.Asn862Ser; replaces asparagine 862 with serine.
Molecular consequence: missense variant.
Genome position (GRCh38, 1-based): chr7:100,805,594, T>C on the plus strand (A>G on the coding strand, the complement: EPHB4 is on the minus strand). VCF-style: chr7-100805594-T-C. GRCh37 (hg19) VCF-style: chr7-100403216-T-C.
Other names: short protein forms N862S.
Identifiers: ClinVar variation 3509380 (VCV003509380.1).

ClinVar aggregate classification (germline): Uncertain significance (1 of 4 stars; one submission).

Conditions:
Cardiovascular phenotype. Identifiers: MedGen CN230736.

gnomAD v4.1: 1 of 1,558,850 alleles (0.000064%); highest among the groups gnomAD compares: Non-Finnish European, 0.000087%; no homozygotes.

Submission:

Ambry Genetics
Classification: Uncertain significance for Cardiovascular phenotype. Last evaluated: 2024-12-09. Review status: criteria provided, single submitter. Criteria: Ambry Variant Classification Scheme 2023. Collection method: clinical testing. Allele origin: germline.
Comment: The p.N862S variant (also known as c.2585A>G), located in coding exon 15 of the EPHB4 gene, results from an A to G substitution at nucleotide position 2585. The asparagine at codon 862 is replaced by serine, an amino acid with highly similar properties. This amino acid position is conserved. In addition, this alteration is predicted to be tolerated by in silico analysis. Based on the available evidence, the clinical significance of this variant remains unclear.